The following is an entry in ClinVar:

ClinVar aggregate classification (germline): Likely benign. Review status: criteria provided, multiple submitters, no conflicts (2 of 4 stars). 5 submissions from 5 submitters: Likely benign (4). 1 of the submissions does not count toward it. Last evaluated 2026-01-26.

Conditions:
FUCA1-related disorder. Also called: FUCA1-related condition.
Fucosidosis. Also called: ALPHA-L-FUCOSIDASE DEFICIENCY. Identifiers: Orphanet 349, MedGen C0016788, MONDO:0009254, OMIM 230000.

Allele frequency attached by ClinVar (database versions not stated): gnomAD 0.00227 and 0.00204; ESP Exome Variant Server 0.00292; gnomAD exomes 0.00016 and 0.00043; ExAC 0.00059; 1000 Genomes Project 0.00100; 1000 Genomes Project 30x 0.00109; TOPMed 0.00212.
gnomAD v4.1: 548 of 1,612,522 alleles (0.034%); highest among the groups gnomAD compares: African/African-American, 0.67%; no homozygotes.

Submissions (6):

Labcorp Genetics (formerly Invitae), Labcorp
Classification: Likely benign for Fucosidosis. Last evaluated: 2026-01-26. Review status: criteria provided, single submitter. Criteria: Invitae Variant Classification Sherloc (09022015). Collection method: clinical testing. Allele origin: germline.

Mayo Clinic Laboratories, Mayo Clinic
Classification: Likely benign. Last evaluated: 2025-09-26. Review status: criteria provided, single submitter. Criteria: ACMG Guidelines, 2015. Collection method: clinical testing. Allele origin: germline. Observed: 3 variant alleles.
Comment: BS1, BP4

Blueprint Genetics
Classification: Likely benign. Last evaluated: 2024-11-14. Review status: criteria provided, single submitter. Criteria: ACMG Guidelines, 2015. Collection method: clinical testing. Allele origin: germline.

Center for Pediatric Genomic Medicine, Children's Mercy Hospital and Clinics
Classification: Likely benign. Last evaluated: 2015-04-14. Review status: criteria provided, single submitter. Criteria: ACMG Guidelines, 2015. Collection method: clinical testing. Allele origin: germline.
ClinVar note: Converted during submission from Likely Benign to Likely benign.

PreventionGenetics, part of Exact Sciences
Classification: Likely benign for FUCA1-related condition. Last evaluated: 2020-02-03. Review status: no assertion criteria provided. Collection method: clinical testing. Allele origin: germline. Not counted in ClinVar's aggregate classification.
Comment: This variant is classified as likely benign based on ACMG/AMP sequence variant interpretation guidelines (Richards et al. 2015 PMID: 25741868, with internal and published modifications).

Dr. Peter K. Rogan Lab, Western University
No classification provided (evidence only). Condition: Cholangiocarcinoma. Review status: no classification provided. Collection method: in vitro. Allele origin: not applicable. Functional consequence: retained intron. Not counted in ClinVar's aggregate classification.

NM_000147.5(FUCA1):c.778G>A (p.Val260Ile)

Gene: FUCA1 (alpha-L-fucosidase 1; minus strand). Cytogenetic location: 1p36.11.
Variant type: single nucleotide variant.
Coding change: c.778G>A on transcript NM_000147.5 (MANE Select); coding-DNA position 778, G replaced by A.
Protein change: p.Val260Ile; replaces valine 260 with isoleucine.
Molecular consequence: missense variant.
Genome position (GRCh38, 1-based): chr1:23,854,551, C>T on the plus strand (G>A on the coding strand, the complement: FUCA1 is on the minus strand). VCF-style: chr1-23854551-C-T. GRCh37 (hg19) VCF-style: chr1-24181041-C-T.
Other names: short protein forms V260I.
Identifiers: ClinVar variation 235414 (VCV000235414.18), dbSNP rs665, ClinGen allele CA686446.
Genomic context (GRCh38, chr1:23,854,551, plus strand): 5'-CACAGTTATAGTATCCTCCATGGTGACAGGAACAGTTCTGACCCCATCGGTCATTTACTA[C>T]CACCTCATCCTAAGGAGGGAAAGAATATTTGGTCATGAGGAGTAAAACCACTTGACTTCT-3'
Protein context (NP_000138.2, residues 250-270): YNDSPVKDEV[Val260Ile]VNDRWGQNCS